The following is an entry in ClinVar:

ClinVar aggregate classification (germline): Uncertain significance. Review status: criteria provided, multiple submitters, no conflicts (2 of 4 stars). 2 submissions from 2 submitters: Uncertain significance (2). Last evaluated 2024-01-02.

Allele frequency attached by ClinVar (database versions not stated): gnomAD exomes below 0.00001; ExAC 0.00001; gnomAD 0.00003 and 0.00004; TOPMed 0.00003.
gnomAD v4.1: 12 of 1,614,058 alleles (0.00074%); highest among the groups gnomAD compares: African/African-American, 0.016%; no homozygotes.

Submissions (2):

Labcorp Genetics (formerly Invitae), Labcorp
Classification: Uncertain significance. Last evaluated: 2024-01-02. Review status: criteria provided, single submitter. Criteria: Invitae Variant Classification Sherloc (09022015). Collection method: clinical testing. Allele origin: germline.
Comment: This sequence change replaces leucine, which is neutral and non-polar, with proline, which is neutral and non-polar, at codon 623 of the PCARE protein (p.Leu623Pro). This variant is present in population databases (rs746690389, gnomAD 0.01%). This variant has not been reported in the literature in individuals affected with PCARE-related conditions. ClinVar contains an entry for this variant (Variation ID: 1450200). An algorithm developed to predict the effect of missense changes on protein structure and function (PolyPhen-2) suggests that this variant is likely to be disruptive. In summary, the available evidence is currently insufficient to determine the role of this variant in disease. Therefore, it has been classified as a Variant of Uncertain Significance.

Blueprint Genetics
Classification: Uncertain significance. Last evaluated: 2022-12-23. Review status: criteria provided, single submitter. Criteria: ACMG Guidelines, 2015. Collection method: clinical testing. Allele origin: germline.

NM_001029883.3(PCARE):c.1868T>C (p.Leu623Pro)

Gene: PCARE (photoreceptor cilium actin regulator; minus strand). Cytogenetic location: 2p23.2.
Variant type: single nucleotide variant.
Coding change: c.1868T>C on transcript NM_001029883.3 (MANE Select); coding-DNA position 1868, T replaced by C.
Protein change: p.Leu623Pro; replaces leucine 623 with proline.
Molecular consequence: missense variant.
Genome position (GRCh38, 1-based): chr2:29,072,394, A>G on the plus strand (T>C on the coding strand, the complement: PCARE is on the minus strand). VCF-style: chr2-29072394-A-G. GRCh37 (hg19) VCF-style: chr2-29295260-A-G.
Other names: short protein forms L623P.
Identifiers: ClinVar variation 1450200 (VCV001450200.6), dbSNP rs746690389, ClinGen allele CA1592337.